The following is an entry in ClinVar:

ClinVar aggregate classification (germline): Uncertain significance. Review status: criteria provided, multiple submitters, no conflicts (2 of 4 stars). 2 submissions from 2 submitters: Uncertain significance (2). Last evaluated 2025-05-19.

Conditions:
Charcot-Marie-Tooth disease type 4. Also called: Charcot-Marie-Tooth disease, type IV; Charcot-Marie-Tooth, Type 4. Identifiers: Orphanet 64749, MedGen C4082197, MONDO:0018995.
Inborn genetic diseases. Identifiers: MedGen C0950123, MeSH D030342.

Allele frequency attached by ClinVar (database versions not stated): gnomAD exomes below 0.00001.
gnomAD v4.1: 1 of 1,614,104 alleles (0.000062%); highest among the groups gnomAD compares: East Asian, 0.0022%; no homozygotes.

Submissions (2):

Ambry Genetics
Classification: Uncertain significance for Inborn genetic diseases. Last evaluated: 2025-05-19. Review status: criteria provided, single submitter. Criteria: Ambry Variant Classification Scheme 2023. Collection method: clinical testing. Allele origin: germline.

Labcorp Genetics (formerly Invitae), Labcorp
Classification: Uncertain significance for Charcot-Marie-Tooth disease type 4. Last evaluated: 2023-07-07. Review status: criteria provided, single submitter. Criteria: Invitae Variant Classification Sherloc (09022015). Collection method: clinical testing. Allele origin: germline.
Comment: This sequence change replaces glycine, which is neutral and non-polar, with valine, which is neutral and non-polar, at codon 877 of the PRX protein (p.Gly877Val). This variant is not present in population databases (gnomAD no frequency). This variant has not been reported in the literature in individuals affected with PRX-related conditions. ClinVar contains an entry for this variant (Variation ID: 2174584). Advanced modeling of protein sequence and biophysical properties (such as structural, functional, and spatial information, amino acid conservation, physicochemical variation, residue mobility, and thermodynamic stability) performed at Invitae indicates that this missense variant is not expected to disrupt PRX protein function. In summary, the available evidence is currently insufficient to determine the role of this variant in disease. Therefore, it has been classified as a Variant of Uncertain Significance.

NM_181882.3(PRX):c.2630G>T (p.Gly877Val)

Gene: PRX (periaxin; minus strand). Cytogenetic location: 19q13.2.
Variant type: single nucleotide variant.
Coding change: c.2630G>T on transcript NM_181882.3 (MANE Select); coding-DNA position 2630, G replaced by T.
Protein change: p.Gly877Val; replaces glycine 877 with valine.
Molecular consequence: missense variant. On other transcripts: 3 prime UTR variant (1).
Genome position (GRCh38, 1-based): chr19:40,395,722, C>A on the plus strand (G>T on the coding strand, the complement: PRX is on the minus strand). VCF-style: chr19-40395722-C-A. GRCh37 (hg19) VCF-style: chr19-40901629-C-A.
Other names: c.2915G>T, p.Gly972Val (NM_001411127.1); c.*2835G>T (NM_020956.2); short protein forms G972V, G877V.
Identifiers: ClinVar variation 2174584 (VCV002174584.5), dbSNP rs2514802742, ClinGen allele CA405895894.